The following is an entry in ClinVar:

ClinVar aggregate classification (germline): Uncertain significance (1 of 4 stars; one submission).

Conditions:
STXBP5-related disorder. Also called: STXBP5-related condition.

gnomAD v4.1: 2 of 1,613,354 alleles (0.00012%); highest among the groups gnomAD compares: Non-Finnish European, 0.00017%; no homozygotes.

Submission:

PreventionGenetics, part of Exact Sciences
Classification: Uncertain significance for STXBP5-related condition. Last evaluated: 2023-04-17. Review status: criteria provided, single submitter. Criteria: ACMG Guidelines, 2015. Collection method: clinical testing. Allele origin: germline.
Comment: The STXBP5 c.2048G>T variant is predicted to result in the amino acid substitution p.Arg683Leu. This variant was reported in an individual from a neurodevelopmental disorder/autism cohort (Stessman et al. 2017. PubMed ID: 28191889). This variant has not been reported in a large population database, indicating this variant is rare. At this time, the clinical significance of this variant is uncertain due to the absence of conclusive functional and genetic evidence.

NM_001127715.4(STXBP5):c.2048G>T (p.Arg683Leu)

Gene: STXBP5 (syntaxin binding protein 5; plus strand). Cytogenetic location: 6q24.3.
Variant type: single nucleotide variant.
Coding change: c.2048G>T on transcript NM_001127715.4 (MANE Select); coding-DNA position 2048, G replaced by T.
Protein change: p.Arg683Leu; replaces arginine 683 with leucine.
Molecular consequence: missense variant.
Genome position (GRCh38, 1-based): chr6:147,327,244, G>T. VCF-style: chr6-147327244-G-T. GRCh37 (hg19) VCF-style: chr6-147648380-G-T.
Other names: c.2048G>T, p.Arg683Leu (NM_001394409.1, NM_139244.6); short protein forms R683L.
Identifiers: ClinVar variation 2633241 (VCV002633241.1), dbSNP rs534581572, ClinGen allele CA365979587.